The following is an entry in ClinVar:

ClinVar aggregate classification (germline): Likely benign. Review status: criteria provided, single submitter (1 of 4 stars). 2 submissions from 2 submitters: Likely benign (1). 1 of the submissions does not count toward it. Last evaluated 2025-10-12.

Conditions:
LYST-related disorder. Also called: LYST-related condition.
Chédiak-Higashi syndrome (CHS). Also called: Chediak-Higashi Syndrome. Identifiers: Orphanet 167, MedGen C0007965, MONDO:0008963, OMIM 214500.

Allele frequency attached by ClinVar (database versions not stated): gnomAD 0.00001; TOPMed 0.00001; ExAC 0.00002; gnomAD exomes 0.00002 and 0.00003.
gnomAD v4.1: 38 of 1,611,436 alleles (0.0024%); highest among the groups gnomAD compares: East Asian, 0.038%; no homozygotes.

Submissions (2):

Labcorp Genetics (formerly Invitae), Labcorp
Classification: Likely benign for Chédiak-Higashi syndrome. Last evaluated: 2025-10-12. Review status: criteria provided, single submitter. Criteria: Invitae Variant Classification Sherloc (09022015). Collection method: clinical testing. Allele origin: germline.

PreventionGenetics, part of Exact Sciences
Classification: Likely benign for LYST-related condition. Last evaluated: 2021-06-29. Review status: no assertion criteria provided. Collection method: clinical testing. Allele origin: germline. Not counted in ClinVar's aggregate classification.
Comment: This variant is classified as likely benign based on ACMG/AMP sequence variant interpretation guidelines (Richards et al. 2015 PMID: 25741868, with internal and published modifications).

NM_000081.4(LYST):c.8535+9A>G

Gene: LYST (lysosomal trafficking regulator; minus strand). Cytogenetic location: 1q42.3.
Variant type: single nucleotide variant.
Coding change: c.8535+9A>G on transcript NM_000081.4 (MANE Select); 9 bases into the intron after coding-DNA position 8535, A replaced by G.
Molecular consequence: intron variant.
Genome position (GRCh38, 1-based): chr1:235,734,474, T>C on the plus strand (A>G on the coding strand, the complement: LYST is on the minus strand). VCF-style: chr1-235734474-T-C. GRCh37 (hg19) VCF-style: chr1-235897774-T-C.
Other names: c.8535+9A>G (NM_001301365.1).
Identifiers: ClinVar variation 766878 (VCV000766878.11), dbSNP rs781747413, ClinGen allele CA1465838.
Genomic context (GRCh38, chr1:235,734,474, plus strand): 5'-AAGTAGTGTCAATCATTCTTTATCTATGATGGAATCTCCTAAGAAAGTACTATGGTTTCA[T>C]TGACTCACCTCTTTGATCATTTTAATAAGGTCTGCTTTTGTTGATGCACTGGGAGGGATG-3'